The following is an entry in ClinVar:

ClinVar aggregate classification (germline): Uncertain significance (1 of 4 stars; one submission).

Submission:

Labcorp Genetics (formerly Invitae), Labcorp
Classification: Uncertain significance. Last evaluated: 2021-02-24. Review status: criteria provided, single submitter. Criteria: Invitae Variant Classification Sherloc (09022015). Collection method: clinical testing. Allele origin: germline.
Comment: In summary, the available evidence is currently insufficient to determine the role of this variant in disease. Therefore, it has been classified as a Variant of Uncertain Significance. Algorithms developed to predict the effect of missense changes on protein structure and function (SIFT, PolyPhen-2, Align-GVGD) all suggest that this variant is likely to be tolerated, but these predictions have not been confirmed by published functional studies and their clinical significance is uncertain. This variant has not been reported in the literature in individuals with HPS4-related conditions. This variant is not present in population databases (ExAC no frequency). This sequence change replaces glutamic acid with alanine at codon 379 of the HPS4 protein (p.Glu379Ala). The glutamic acid residue is weakly conserved and there is a moderate physicochemical difference between glutamic acid and alanine.

NM_022081.6(HPS4):c.1136A>C (p.Glu379Ala)

Gene: HPS4 (HPS4 biogenesis of lysosomal organelles complex 3 subunit 2; minus strand). Cytogenetic location: 22q12.1.
Variant type: single nucleotide variant.
Coding change: c.1136A>C on transcript NM_022081.6 (MANE Select); coding-DNA position 1136, A replaced by C.
Protein change: p.Glu379Ala; replaces glutamic acid 379 with alanine.
Molecular consequence: missense variant. On other transcripts: non-coding transcript variant (8).
Genome position (GRCh38, 1-based): chr22:26,464,494, T>G on the plus strand (A>C on the coding strand, the complement: HPS4 is on the minus strand). VCF-style: chr22-26464494-T-G. GRCh37 (hg19) VCF-style: chr22-26860460-T-G.
Other names: c.1136A>C, p.Glu379Ala (NM_001349896.1, NM_001349898.2, NM_001349899.2 and 4 more transcripts); c.1190A>C, p.Glu397Ala (NM_001349900.2, NM_001349901.1); c.1121A>C, p.Glu374Ala (NM_152841.2); short protein forms E374A, E379A, E397A.
Identifiers: ClinVar variation 1371801 (VCV001371801.8), dbSNP rs2146556548, ClinGen allele CA411027911.